The following is an entry in ClinVar:

ClinVar aggregate classification (germline): Uncertain significance (1 of 4 stars; one submission).

Conditions:
Hypertrophic cardiomyopathy. Also called: HYPERTROPHIC MYOCARDIOPATHY. Identifiers: Orphanet 217569, MedGen C0007194, MeSH D002312, MONDO:0005045, HP:0001639.

Submission:

Labcorp Genetics (formerly Invitae), Labcorp
Classification: Uncertain significance for Hypertrophic cardiomyopathy. Last evaluated: 2018-08-01. Review status: criteria provided, single submitter. Criteria: Invitae Variant Classification Sherloc (09022015). Collection method: clinical testing. Allele origin: germline.
Comment: In summary, the available evidence is currently insufficient to determine the role of this variant in disease. Therefore, it has been classified as a Variant of Uncertain Significance. Algorithms developed to predict the effect of missense changes on protein structure and function (SIFT, PolyPhen-2, Align-GVGD) all suggest that this variant is likely to be disruptive, but these predictions have not been confirmed by published functional studies and their clinical significance is uncertain. This variant has not been reported in the literature in individuals with TNNI3-related disease. This variant is not present in population databases (ExAC no frequency). This sequence change replaces aspartic acid with histidine at codon 168 of the TNNI3 protein (p.Asp168His). The aspartic acid residue is highly conserved and there is a moderate physicochemical difference between aspartic acid and histidine.

NM_000363.5(TNNI3):c.502G>C (p.Asp168His)

Gene: TNNI3 (troponin I3, cardiac type; minus strand). Cytogenetic location: 19q13.42.
Variant type: single nucleotide variant.
Coding change: c.502G>C on transcript NM_000363.5 (MANE Select); coding-DNA position 502, G replaced by C.
Protein change: p.Asp168His; replaces aspartic acid 168 with histidine.
Molecular consequence: missense variant.
Genome position (GRCh38, 1-based): chr19:55,154,077, C>G on the plus strand (G>C on the coding strand, the complement: TNNI3 is on the minus strand). VCF-style: chr19-55154077-C-G. GRCh37 (hg19) VCF-style: chr19-55665445-C-G.
Other names: c.502G>C (LRG_432t1); short protein forms D168H.
Identifiers: ClinVar variation 661343 (VCV000661343.8), dbSNP rs1085308019, ClinGen allele CA407440315.
Genomic context (GRCh38, chr19:55,154,077, plus strand): 5'-AGCCCACACTCACCTTCTCGGTGTCCTCCTTCTTCACCTGCTTGAGGTGGGCCCGCAGGT[C>G]CAGGGACTCCTTAGCCCGGGCCCCCAGCAGCGCCTGCATCATGGCATCTGCAGAGATCCT-3'
Protein context (NP_000354.4, residues 158-178): LLGARAKESL[Asp168His]LRAHLKQVKK